The following is an entry in ClinVar:

NM_000038.6(APC):c.3971_3980del (p.Pro1324fs)

Gene: APC (APC regulator of Wnt signaling pathway; plus strand). Cytogenetic location: 5q22.2.
Variant type: Deletion.
Coding change: c.3971_3980del on transcript NM_000038.6 (MANE Select); coding-DNA positions 3971 to 3980, 10 bases deleted (CAGCAGTGTC; older notation c.3971_3980delCAGCAGTGTC).
Protein change: p.Pro1324fs; shifts the reading frame from proline 1324.
Molecular consequence: frameshift variant. On other transcripts: non-coding transcript variant (2).
Genome position (GRCh38, 1-based): chr5:112,839,565-112,839,574, CAGCAGTGTC deleted; deleting any 10 consecutive bases within chr5:112,839,563-112,839,574 gives the same sequence; the c. name uses the placement nearest the transcript's 3' end. VCF-style (leftmost placement, unchanged base first): chr5-112839562-TTCCAGCAGTG-T. GRCh37 (hg19) VCF-style: chr5-112175259-TTCCAGCAGTG-T.
Other names: c.3122_3131del, p.Pro1041fs (NM_001354906.2, NM_001407470.1); c.4055_4064del, p.Pro1352fs (NM_001407446.1); c.3971_3980del, p.Pro1324fs (NM_001127510.3, NM_001354895.2, NM_001407450.1); c.3917_3926del, p.Pro1306fs (NM_001127511.3); c.3887_3896del, p.Pro1296fs (NM_001354899.2); c.3848_3857del, p.Pro1283fs (NM_001354900.2); c.3794_3803del, p.Pro1265fs (NM_001354901.2, NM_001407453.1); c.3698_3707del, p.Pro1233fs (NM_001354902.2); and 11 more; short protein forms P1041fs, P1164fs, P1195fs, P1198fs, P1223fs, P1233fs, P1241fs, P1265fs.
Identifiers: ClinVar variation 3602623 (VCV003602623.2).

ClinVar aggregate classification (germline): Likely pathogenic (1 of 4 stars; one submission).

Conditions:
Familial adenomatous polyposis 1 (FAP1). Also called: FAMILIAL ADENOMATOUS POLYPOSIS 1, ATTENUATED; POLYPOSIS, ADENOMATOUS INTESTINAL. Identifiers: MedGen C2713442, MONDO:0021056, OMIM 175100. Disease mechanism: loss of function.

Submission:

KCCC/NGS Laboratory, Kuwait Cancer Control Center
Classification: Likely pathogenic for Familial adenomatous polyposis 1. Last evaluated: 2025-02-06. Review status: criteria provided, single submitter. Criteria: ACMG Guidelines, 2015. Collection method: clinical testing. Allele origin: germline. Inheritance: Autosomal dominant inheritance. Affected: yes. Observed: 1 heterozygote.
Comment: A novel pathogenic mutation was detected in the APC gene in this specimen. This sequence change results in a premature translational stop signal in the APC gene (p.(Pro1324HisfsTer88)).It is expected to disrupt the APC protein.Loss-of-function is a known mechanism of disease .This variant is not present in population databases (gnomAD).This variant classified according to ACMG as likely Pathogenic [PVS1_ Strong, PM2_Supporting, PP4]. Same protein change (c.3971del,p.Pro1324fs) previously reported in ClinVar database as pathogenic (ID:2584236) . Therefore, this variant has been classified as likely Pathogenic.This variant was confirmed by Sanger sequencing . Pathogenic/likely pathogenic variants in the APC cause familial adenomatous polyposis (FAP). FAP is a colon cancer predisposition syndrome in which numerous adenomatous colonic polyps develop by late teens. By age 35 years, 95% of individuals with FAP have polyps; without colectomy, colon cancer is inevitable. The mean age of colon cancer diagnosis in untreated individuals is 39 years (range 34-43 years). Extracolonic manifestations are variably present and include polyps of the gastric fundus and duodenum, osteomas, dental anomalies, congenital hypertrophy of the retinal pigment epithelium (CHRPE), soft tissue tumors, desmoid tumors, and associated cancers.